The following is an entry in ClinVar:

NM_003922.4(HERC1):c.5409T>C (p.Gly1803=)

Gene: HERC1 (HECT and RLD domain containing E3 ubiquitin protein ligase family member 1; minus strand). Cytogenetic location: 15q22.31.
Variant type: single nucleotide variant.
Coding change: c.5409T>C on transcript NM_003922.4 (MANE Select); coding-DNA position 5409, T replaced by C.
Protein change: p.Gly1803=; no amino-acid change (glycine 1803 retained).
Molecular consequence: synonymous variant.
Genome position (GRCh38, 1-based): chr15:63,694,383, A>G on the plus strand (T>C on the coding strand, the complement: HERC1 is on the minus strand). VCF-style: chr15-63694383-A-G. GRCh37 (hg19) VCF-style: chr15-63986582-A-G.
Identifiers: ClinVar variation 2645437 (VCV002645437.24), dbSNP rs200252549, ClinGen allele CA490892946.
Genomic context (GRCh38, chr15:63,694,383, plus strand): 5'-GGCTAGAATCTGGAGCAACCTTGTACTGGCCACTTTCAAAGCTGTGCTAAGCTGGGAAAC[A>G]CCCGTCTTTGGCAACAACTGCAGGGGCTGTCCTAGCATGGTGTCTGTACCACACAACTGT-3'
Protein context (NP_003913.3, residues 1793-1813): GQPLQLLPKT[Gly1803=]VSQLSTALKV

ClinVar aggregate classification (germline): Likely benign (1 of 4 stars; one submission).

Submission:

CeGaT Center for Human Genetics Tuebingen
Classification: Likely benign. Last evaluated: 2022-09-01. Review status: criteria provided, single submitter. Criteria: CeGaT Center For Human Genetics Tuebingen Variant Classification Criteria Version 2. Collection method: clinical testing. Allele origin: germline. Affected: yes. Observed: 1 variant allele.
Comment: HERC1: PM2:Supporting, BP4, BP7